The following is an entry in ClinVar:

NM_020699.4(GATAD2B):c.12G>A (p.Met4Ile)

Gene: GATAD2B (GATA zinc finger domain containing 2B; minus strand). Cytogenetic location: 1q21.3.
Variant type: single nucleotide variant.
Coding change: c.12G>A on transcript NM_020699.4 (MANE Select); coding-DNA position 12, G replaced by A.
Protein change: p.Met4Ile; replaces methionine 4 with isoleucine.
Molecular consequence: missense variant.
Genome position (GRCh38, 1-based): chr1:153,828,336, C>T on the plus strand (G>A on the coding strand, the complement: GATAD2B is on the minus strand). VCF-style: chr1-153828336-C-T. GRCh37 (hg19) VCF-style: chr1-153800812-C-T.
Other names: short protein forms M4I.
Identifiers: ClinVar variation 3008139 (VCV003008139.3), dbSNP rs1322932624, ClinGen allele CA342542420.

ClinVar aggregate classification (germline): Uncertain significance (1 of 4 stars; one submission).

Allele frequency attached by ClinVar (database versions not stated): gnomAD exomes below 0.00001; TOPMed 0.00002; gnomAD 0.00003.
gnomAD v4.1: 7 of 1,608,444 alleles (0.00044%); highest among the groups gnomAD compares: Non-Finnish European, 0.00059%; no homozygotes.

Submission:

Labcorp Genetics (formerly Invitae), Labcorp
Classification: Uncertain significance. Last evaluated: 2023-11-20. Review status: criteria provided, single submitter. Criteria: Invitae Variant Classification Sherloc (09022015). Collection method: clinical testing. Allele origin: germline.
Comment: This sequence change replaces methionine, which is neutral and non-polar, with isoleucine, which is neutral and non-polar, at codon 4 of the GATAD2B protein (p.Met4Ile). This variant is present in population databases (no rsID available, gnomAD 0.007%). This variant has not been reported in the literature in individuals affected with GATAD2B-related conditions. Advanced modeling of protein sequence and biophysical properties (such as structural, functional, and spatial information, amino acid conservation, physicochemical variation, residue mobility, and thermodynamic stability) has been performed at Invitae for this missense variant, however the output from this modeling did not meet the statistical confidence thresholds required to predict the impact of this variant on GATAD2B protein function. In summary, the available evidence is currently insufficient to determine the role of this variant in disease. Therefore, it has been classified as a Variant of Uncertain Significance.